The following is an entry in ClinVar:

ClinVar aggregate classification (germline): Uncertain significance (1 of 4 stars; one submission).

Submission:

Labcorp Genetics (formerly Invitae), Labcorp
Classification: Uncertain significance. Last evaluated: 2022-09-08. Review status: criteria provided, single submitter. Criteria: Invitae Variant Classification Sherloc (09022015). Collection method: clinical testing. Allele origin: germline.
Comment: In summary, the available evidence is currently insufficient to determine the role of this variant in disease. Therefore, it has been classified as a Variant of Uncertain Significance. Experimental studies and prediction algorithms are not available or were not evaluated, and the functional significance of this variant is currently unknown. This variant has not been reported in the literature in individuals affected with EXOSC2-related conditions. This variant is a gross deletion of the genomic region encompassing exon(s) 4-9 of the EXOSC2 gene, which includes the termination codon. This deletion extends beyond the assayed region for this gene and therefore may encompass additional genes. While this deletion is not anticipated to lead to nonsense mediated decay, it is expected to alter mRNA translation or result in a truncated protein product.

NC_000009.11:g.(?_133573529)_(133589862_?)del

Genes: ABL1 (ABL proto-oncogene 1, non-receptor tyrosine kinase; plus strand), EXOSC2 (exosome component 2; plus strand). Cytogenetic location: 9q34.12.
Variant type: Deletion.
Identifiers: ClinVar variation 1411814 (VCV001411814.7).